The following is an entry in ClinVar:

ClinVar aggregate classification (germline): Conflicting classifications of pathogenicity. Review status: criteria provided, conflicting classifications (1 of 4 stars). 3 submissions from 3 submitters: Uncertain significance (1); Likely benign (1). 1 of the submissions does not count toward it. Last evaluated 2025-07-30.

Conditions:
UCP2-related disorder. Also called: UCP2-related condition.

Allele frequency attached by ClinVar (database versions not stated): gnomAD 0.00094; TOPMed 0.00080; 1000 Genomes Project 0.00120; 1000 Genomes Project 30x 0.00187; gnomAD exomes 0.00019 and 0.00023; ExAC 0.00021; ESP Exome Variant Server 0.00077.

Submissions (3):

Labcorp Genetics (formerly Invitae), Labcorp
Classification: Likely benign. Last evaluated: 2025-07-30. Review status: criteria provided, single submitter. Criteria: Invitae Variant Classification Sherloc (09022015). Collection method: clinical testing. Allele origin: germline.

Genetic Services Laboratory, University of Chicago
Classification: Uncertain significance. Last evaluated: 2015-06-10. Review status: criteria provided, single submitter. Criteria: ACMG Guidelines, 2015. Collection method: clinical testing. Allele origin: germline.

PreventionGenetics, part of Exact Sciences
Classification: Likely benign for UCP2-related condition. Last evaluated: 2024-03-07. Review status: no assertion criteria provided. Collection method: clinical testing. Allele origin: germline. Not counted in ClinVar's aggregate classification.
Comment: This variant is classified as likely benign based on ACMG/AMP sequence variant interpretation guidelines (Richards et al. 2015 PMID: 25741868, with internal and published modifications).

NM_003355.3(UCP2):c.156C>T (p.Arg52=)

Gene: UCP2 (uncoupling protein 2; minus strand). Cytogenetic location: 11q13.4.
Variant type: single nucleotide variant.
Coding change: c.156C>T on transcript NM_003355.3 (MANE Select); coding-DNA position 156, C replaced by T.
Protein change: p.Arg52=; no amino-acid change (arginine 52 retained).
Molecular consequence: synonymous variant.
Genome position (GRCh38, 1-based): chr11:73,978,067, G>A on the plus strand (C>T on the coding strand, the complement: UCP2 is on the minus strand). VCF-style: chr11-73978067-G-A. GRCh37 (hg19) VCF-style: chr11-73689112-G-A.
Other names: c.156C>T, p.Arg52= (NM_001381943.1, NM_001381944.1, NM_001381945.1 and 4 more transcripts).
Identifiers: ClinVar variation 212540 (VCV000212540.9), dbSNP rs45524433, ClinGen allele CA209034.